The following is an entry in ClinVar:

NM_183357.3(ADCY5):c.1016T>C (p.Ile339Thr)

Gene: ADCY5 (adenylate cyclase 5; minus strand). Cytogenetic location: 3q21.1.
Variant type: single nucleotide variant.
Coding change: c.1016T>C on transcript NM_183357.3 (MANE Select); coding-DNA position 1016, T replaced by C.
Protein change: p.Ile339Thr; replaces isoleucine 339 with threonine.
Molecular consequence: missense variant.
Genome position (GRCh38, 1-based): chr3:123,447,530, A>G on the plus strand (T>C on the coding strand, the complement: ADCY5 is on the minus strand). VCF-style: chr3-123447530-A-G. GRCh37 (hg19) VCF-style: chr3-123166377-A-G.
Other names: c.1016T>C, p.Ile339Thr (NM_001378259.1); short protein forms I339T.
Identifiers: ClinVar variation 4801754 (VCV004801754.1).

ClinVar aggregate classification (germline): Uncertain significance (1 of 4 stars; one submission).

Submission:

Labcorp Genetics (formerly Invitae), Labcorp
Classification: Uncertain significance. Last evaluated: 2025-02-10. Review status: criteria provided, single submitter. Criteria: Invitae Variant Classification Sherloc (09022015). Collection method: clinical testing. Allele origin: germline.
Comment: This sequence change replaces isoleucine, which is neutral and non-polar, with threonine, which is neutral and polar, at codon 339 of the ADCY5 protein (p.Ile339Thr). This variant is not present in population databases (gnomAD no frequency). This variant has not been reported in the literature in individuals affected with ADCY5-related conditions. Invitae Evidence Modeling of protein sequence and biophysical properties (such as structural, functional, and spatial information, amino acid conservation, physicochemical variation, residue mobility, and thermodynamic stability) indicates that this missense variant is not expected to disrupt ADCY5 protein function with a negative predictive value of 95%. In summary, the available evidence is currently insufficient to determine the role of this variant in disease. Therefore, it has been classified as a Variant of Uncertain Significance.